The following is an entry in ClinVar:

ClinVar aggregate classification (germline): Likely pathogenic (1 of 4 stars; one submission).

Conditions:
Autosomal dominant Alport syndrome (ATS3A). Also called: Alport syndrome dominant type; Renal failure and sensorineural hearing loss; ALPORT SYNDROME 3A, AUTOSOMAL DOMINANT. Identifiers: Orphanet 63, Orphanet 88918, MedGen C5882663, MONDO:0007086, OMIM 104200.

gnomAD v4.1: 2 of 1,614,140 alleles (0.00012%); highest among the groups gnomAD compares: Admixed American, 0.0017%; no homozygotes.

Submission:

Variantyx, Inc.
Classification: Likely pathogenic for Autosomal dominant Alport syndrome. Last evaluated: 2025-12-31. Review status: criteria provided, single submitter. Criteria: Variantyx Assertion Criteria 2022. Collection method: clinical testing. Allele origin: germline. Inheritance: Semidominant inheritance. Affected: yes.
Comment: This is a nonsynonymous variant in the COL4A3 gene (OMIM: 120070). Pathogenic variants in this gene have been associated with autosomal dominant Alport spectrum. This variant replaces a glycine residue in the repetitive Gly-X-Y sequence of the triple helical domain, which disrupts the structure of type IV fibrillar collagen and is a common disease mechanism in collagenopathies (PMID: 35177655, 33854215) (PM1_Strong), and multiple computational algorithms predict a deleterious effect for this variant (REVEL score: 0.997) (PP3). This variant has a 0.0017% maximum allele frequency in non-founder control populations (PM2), and it has not been reported in individuals with COL4A3-related disorders in the databases available for review. Based on the current evidence, this variant is classified as likely pathogenic for autosomal dominant Alport spectrum.

Literature cited by the submitters: PubMed 35177655; PubMed 33854215.

NM_000091.5(COL4A3):c.4082G>A (p.Gly1361Glu)

Genes: COL4A3 (collagen type IV alpha 3 chain; plus strand), MFF-DT (MFF divergent transcript; minus strand). Cytogenetic location: 2q36.3.
Variant type: single nucleotide variant.
Coding change: c.4082G>A on transcript NM_000091.5 (MANE Select); coding-DNA position 4082, G replaced by A.
Protein change: p.Gly1361Glu; replaces glycine 1361 with glutamic acid.
Molecular consequence: missense variant.
Genome position (GRCh38, 1-based): chr2:227,304,073, G>A. VCF-style: chr2-227304073-G-A. GRCh37 (hg19) VCF-style: chr2-228168789-G-A.
Other names: short protein forms G1361E.
Identifiers: ClinVar variation 4852203 (VCV004852203.1).
Genomic context (GRCh38, chr2:227,304,073, plus strand): 5'-CAACAGGTGTACGTGGAGACCCTGGCACACTTAAGATTATCTCCCTTCCAGGAAGCCCAG[G>A]GCCACCTGGCACACCTGGAGAACCAGGGATGCAGGGAGAACCTGGGCCACCAGGGCCACC-3'
Protein context (NP_000082.2, residues 1351-1371): LKIISLPGSP[Gly1361Glu]PPGTPGEPGM